The following is an entry in ClinVar:

ClinVar aggregate classification (germline): Pathogenic (1 of 4 stars; one submission).

Conditions:
Biotinidase deficiency. Also called: BTD deficiency; Late-onset biotin-responsive multiple carboxylase deficiency; Biotin deficiency. Identifiers: Orphanet 79241, MedGen C0220754, MONDO:0009665, OMIM 253260.

Submission:

Labcorp Genetics (formerly Invitae), Labcorp
Classification: Pathogenic for Biotinidase deficiency. Last evaluated: 2020-06-30. Review status: criteria provided, single submitter. Criteria: Invitae Variant Classification Sherloc (09022015). Collection method: clinical testing. Allele origin: germline.
Comment: This variant is not present in population databases (ExAC no frequency). For these reasons, this variant has been classified as Pathogenic. This variant disrupts the C-terminus of the BTD protein. Other variant(s) that disrupt this region (p.Leu498Phefs*13) have been determined to be pathogenic (PMID: 17382128, 29359854, 19728141). This suggests that variants that disrupt this region of the protein are likely to be causative of disease. This variant has not been reported in the literature in individuals with BTD-related conditions. This sequence change results in a premature translational stop signal in the BTD gene (p.Tyr268*). While this is not anticipated to result in nonsense mediated decay, it is expected to disrupt the last 276 amino acids of the BTD protein.

Literature cited by the submitters: PubMed 17382128; PubMed 29359854; PubMed 19728141.

NM_001370658.1(BTD):c.743dup (p.Tyr248Ter)

Gene: BTD (biotinidase; plus strand). Cytogenetic location: 3p25.1.
Variant type: Duplication.
Coding change: c.743dup on transcript NM_001370658.1 (MANE Select); coding-DNA position 743, one base duplicated (A; older notation c.743dupA).
Protein change: p.Tyr248Ter; replaces tyrosine 248 with a stop codon.
Molecular consequence: nonsense. On other transcripts: frameshift variant (20), intron variant (1).
Genome position (GRCh38, 1-based): chr3:15,644,659, A duplicated. VCF-style (leftmost placement, unchanged base first): chr3-15644658-T-TA. GRCh37 (hg19) VCF-style: chr3-15686165-T-TA.
Other names: c.803dup, p.Tyr268Terfs (NM_000060.4); c.743dup, p.Tyr248Terfs (NM_001281723.4, NM_001281725.3, NM_001323582.2 and 16 more transcripts); c.743dup, p.Tyr248Ter (NM_001281724.3, NM_001370752.1); c.399+2602dup (NM_001370753.1); short protein forms Y248*.
Identifiers: ClinVar variation 1068552 (VCV001068552.10), dbSNP rs2125502078, ClinGen allele CA2499216566.
Genomic context (GRCh38, chr3:15,644,658, plus strand): 5'-ATATTGTTCTTTGACCCTGCCATCAGAGTCCTCAGAGACTACAAGGTGAAGCATGTTGTG[T>TA]ACCCAACTGCCTGGATGAACCAGCTCCCACTCTTGGCAGCAATTGAGATTCAGAAAGCTT-3'